The following is an entry in ClinVar:

NM_000051.4(ATM):c.2220A>G (p.Ala740=)

Gene: ATM (ATM serine/threonine kinase; plus strand). Cytogenetic location: 11q22.3.
Variant type: single nucleotide variant.
Coding change: c.2220A>G on transcript NM_000051.4 (MANE Select); coding-DNA position 2220, A replaced by G.
Protein change: p.Ala740=; no amino-acid change (alanine 740 retained).
Molecular consequence: synonymous variant.
Genome position (GRCh38, 1-based): chr11:108,256,310, A>G. VCF-style: chr11-108256310-A-G. GRCh37 (hg19) VCF-style: chr11-108127037-A-G.
Other names: c.2220A>G, p.Ala740= (NM_001351834.2).
Identifiers: ClinVar variation 184290 (VCV000184290.32), dbSNP rs56353517, ClinGen allele CA188498.
Genomic context (GRCh38, chr11:108,256,310, plus strand): 5'-TCTTTTGGTGGGTGTCCTTGGCTGCTACTGTTACATGGGTGTAATAGCTGAAGAGGAAGC[A>G]TATAAGTCAGAATTATTCCAGAAAGCCAAGGTAGGAGAATTTATACTAATAAAGTTTCGG-3'
Protein context (NP_000042.3, residues 730-750): CYMGVIAEEE[Ala740=]YKSELFQKAK

ClinVar aggregate classification (germline): Conflicting classifications of pathogenicity. Review status: criteria provided, conflicting classifications (1 of 4 stars). 13 submissions from 13 submitters: Uncertain significance (1); Benign (4); Likely benign (6). 2 of the submissions do not count toward it. Last evaluated 2026-02-03.

Conditions:
Hereditary cancer-predisposing syndrome. Also called: Tumor predisposition; Neoplastic Syndromes, Hereditary; Hereditary neoplastic syndrome; Hereditary Cancer Syndrome. Identifiers: Orphanet 140162, MedGen C0027672, MeSH D009386, MONDO:0015356.
Familial cancer of breast. Also called: hereditary breast carcinoma; BREAST CANCER, FAMILIAL; Hereditary breast cancer. Identifiers: Orphanet 227535, MedGen C0346153, MONDO:0016419, OMIM 114480. Disease mechanism: loss of function.
Ataxia-telangiectasia syndrome (AT). Also called: ATAXIA-TELANGIECTASIA, COMPLEMENTATION GROUP A; ATAXIA-TELANGIECTASIA, FRESNO VARIANT; Ataxia-telangiectasia; Ataxia-telangiectasia, complementation group E; Cerebello-oculocutaneous telangiectasia; Immunodeficiency with ataxia telangiectasia. Identifiers: Orphanet 100, MedGen C0004135, MONDO:0008840, OMIM 208900.
Malignant tumor of breast. Also called: Malignant breast neoplasm; Cancer breast. Identifiers: MedGen C0006142, MONDO:0007254. Disease mechanism: loss of function.

Allele frequency attached by ClinVar (database versions not stated): gnomAD exomes 0.00003 and 0.00011; gnomAD 0.00005 and 0.00007; TOPMed 0.00005; ExAC 0.00012; 1000 Genomes Project 30x 0.00047; 1000 Genomes Project 0.00060.

Submissions (13):

Labcorp Genetics (formerly Invitae), Labcorp
Classification: Benign for Ataxia-telangiectasia syndrome. Last evaluated: 2026-02-03. Review status: criteria provided, single submitter. Criteria: Invitae Variant Classification Sherloc (09022015). Collection method: clinical testing. Allele origin: germline.

Quest Diagnostics Nichols Institute San Juan Capistrano
Classification: Benign. Last evaluated: 2025-05-05. Review status: criteria provided, single submitter. Criteria: Quest Diagnostics criteria. Collection method: clinical testing. Allele origin: unknown.

Center for Genomic Medicine, Rigshospitalet, Copenhagen University Hospital
Classification: Likely benign. Last evaluated: 2025-03-04. Review status: criteria provided, single submitter. Criteria: ACMG Guidelines, 2015. Collection method: clinical testing. Allele origin: germline.

Blueprint Genetics
Classification: Likely benign. Last evaluated: 2024-07-17. Review status: criteria provided, single submitter. Criteria: ACMG Guidelines, 2015. Collection method: clinical testing. Allele origin: germline.

Myriad Genetics, Inc.
Classification: Benign for Familial cancer of breast. Last evaluated: 2024-05-07. Review status: criteria provided, single submitter. Criteria: Myriad Autosomal Dominant, Autosomal Recessive and X-Linked Classification Criteria (2023). Collection method: clinical testing. Allele origin: unknown.
Comment: This variant is considered benign. This variant is a silent/synonymous amino acid change and it is not expected to impact splicing.

KCCC/NGS Laboratory, Kuwait Cancer Control Center
Classification: Likely benign for Familial cancer of breast. Last evaluated: 2023-07-07. Review status: criteria provided, single submitter. Criteria: ACMG Guidelines, 2015. Collection method: clinical testing. Allele origin: germline. Affected: yes.

Women's Health and Genetics/Laboratory Corporation of America, LabCorp
Classification: Likely benign. Last evaluated: 2019-08-10. Review status: criteria provided, single submitter. Criteria: LabCorp Variant Classification Summary - May 2015. Collection method: clinical testing. Allele origin: germline.

Illumina Laboratory Services, Illumina
Classification: Uncertain significance for Ataxia-telangiectasia syndrome. Last evaluated: 2018-01-12. Review status: criteria provided, single submitter. Criteria: ICSL Variant Classification Criteria 13 December 2019. Collection method: clinical testing. Allele origin: germline.

Color Diagnostics, LLC DBA Color Health
Classification: Likely benign for Hereditary cancer-predisposing syndrome. Last evaluated: 2015-11-17. Review status: criteria provided, single submitter. Criteria: ACMG Guidelines, 2015. Collection method: clinical testing. Allele origin: germline.

Ambry Genetics
Classification: Likely benign for Hereditary cancer-predisposing syndrome. Last evaluated: 2015-03-06. Review status: criteria provided, single submitter. Criteria: Ambry Variant Classification Scheme 2023. Collection method: clinical testing. Allele origin: germline.

GeneDx
Classification: Benign. Last evaluated: 2015-03-03. Review status: criteria provided, single submitter. Criteria: GeneDx Variant Classification Process June 2021. Collection method: clinical testing. Allele origin: germline. Affected: yes.

Counsyl
Classification: Likely benign for Ataxia-telangiectasia syndrome. Last evaluated: 2017-03-14. Review status: no assertion criteria provided. Collection method: clinical testing. Allele origin: unknown. Not counted in ClinVar's aggregate classification.

Department of Pathology and Laboratory Medicine, Sinai Health System
Classification: Likely benign for Malignant tumor of breast. Review status: no assertion criteria provided. Collection method: clinical testing. Allele origin: unknown. Affected: yes. Study: The Canadian Open Genetics Repository (COGR). Not counted in ClinVar's aggregate classification.
Comment: The ATM p.Ala740= variant was identified in 1 of 14102 proband chromosomes (frequency: 0.00007) from individuals or families with breast cancer and was identified in 5 of 24980 control chromosomes (frequency: 0.0002) from healthy men individuals (Momozawa 2018). The variant was also identified in dbSNP (ID: rs56353517) as "With Likely benign allele", ClinVar (classified as benign by Invitae; as likely benign by Ambry Genetics, Color and Counsyl), and in LOVD 3.0 (2x). The variant was identified in control databases in 25 of 277006 chromosomes (1 homozygous) at a frequency of 0.00009 (Genome Aggregation Database Feb 27, 2017). The variant was observed in the East Asian population in 25 of 18816 chromosomes (freq: 0.001); it was not observed in the African, Other, Latino, European, Ashkenazi Jewish, Finnish, and South Asian populations. The p.Ala740= variant is not expected to have clinical significance because it does not result in a change of amino acid and is not located in a known consensus splice site. In addition, in silico or computational prediction software programs (SpliceSiteFinder, MaxEntScan, NNSPLICE, GeneSplicer,) do not predict a difference in splicing. In summary, based on the above information the clinical significance of this variant cannot be determined with certainty at this time although we would lean towards a more benign role for this variant. This variant is classified as likely benign.